The following is an entry in ClinVar:

ClinVar aggregate classification (germline): Conflicting classifications of pathogenicity. Review status: criteria provided, conflicting classifications (1 of 4 stars). 6 submissions from 6 submitters: Uncertain significance (4); Likely benign (2). Last evaluated 2025-10-10.

Conditions:
Hereditary cancer-predisposing syndrome. Also called: Hereditary neoplastic syndrome; Neoplastic Syndromes, Hereditary; Tumor predisposition; Hereditary Cancer Syndrome. Identifiers: Orphanet 140162, MedGen C0027672, MeSH D009386, MONDO:0015356.
Hereditary breast ovarian cancer syndrome. Also called: Hereditary breast and/or ovarian cancer syndrome; BRCA1- and BRCA2-Associated Hereditary Breast and Ovarian Cancer; Hereditary breast and ovarian cancer; Breast and ovarian cancer; Hereditary breast and ovarian cancer syndrome; Hereditary breast and ovarian cancer syndrome (HBOC). Identifiers: Orphanet 145, MedGen C0677776, MeSH D061325, MONDO:0003582. Disease mechanism: loss of function.
Breast-ovarian cancer, familial, susceptibility to, 2 (BROVCA2). Also called: BRCA2 Hereditary Breast and Ovarian Cancer. Identifiers: Orphanet 145, MedGen C2675520, MONDO:0012933, OMIM 612555. Disease mechanism: loss of function.

Submissions (6):

Labcorp Genetics (formerly Invitae), Labcorp
Classification: Uncertain significance for Hereditary breast ovarian cancer syndrome. Last evaluated: 2025-10-10. Review status: criteria provided, single submitter. Criteria: Invitae Variant Classification Sherloc (09022015). Collection method: clinical testing. Allele origin: germline.
Comment: This sequence change replaces serine, which is neutral and polar, with tyrosine, which is neutral and polar, at codon 1252 of the BRCA2 protein (p.Ser1252Tyr). This variant is not present in population databases (gnomAD no frequency). This variant has not been reported in the literature in individuals affected with BRCA2-related conditions. ClinVar contains an entry for this variant (Variation ID: 462307). Invitae Evidence Modeling of protein sequence and biophysical properties (such as structural, functional, and spatial information, amino acid conservation, physicochemical variation, residue mobility, and thermodynamic stability) indicates that this missense variant is not expected to disrupt BRCA2 protein function with a negative predictive value of 95%. In summary, the available evidence is currently insufficient to determine the role of this variant in disease. Therefore, it has been classified as a Variant of Uncertain Significance.

Color Diagnostics, LLC DBA Color Health
Classification: Uncertain significance for Hereditary cancer-predisposing syndrome. Last evaluated: 2025-08-20. Review status: criteria provided, single submitter. Criteria: ACMG Guidelines, 2015. Collection method: clinical testing. Allele origin: germline.
Comment: This missense variant replaces serine with tyrosine at codon 1252 of the BRCA2 protein. Computational prediction suggests that this variant may not impact protein structure and function. To our knowledge, functional studies have not been reported for this variant. This variant has been reported in an individuals affected with pancreatic cancer (PMID: 39256447). This variant has not been identified in the general population by the Genome Aggregation Database (gnomAD). The available evidence is insufficient to determine the role of this variant in disease conclusively. Therefore, this variant is classified as a Variant of Uncertain Significance.

Ambry Genetics
Classification: Likely benign for Hereditary cancer-predisposing syndrome. Last evaluated: 2024-10-15. Review status: criteria provided, single submitter. Criteria: Ambry Variant Classification Scheme 2023. Collection method: clinical testing. Allele origin: germline.

All of Us Research Program, National Institutes of Health
Classification: Uncertain significance for Breast-ovarian cancer, familial, susceptibility to, 2. Last evaluated: 2023-07-19. Review status: criteria provided, single submitter. Criteria: ACMG Guidelines, 2015. Collection method: clinical testing. Allele origin: germline. Inheritance: Autosomal dominant inheritance. Observed: 1 variant allele, 1 heterozygote.
Comment: This missense variant replaces serine with tyrosine at codon 1252 of the BRCA2 protein. Computational prediction suggests that this variant may not impact protein structure and function (internally defined REVEL score threshold <= 0.5, PMID: 27666373). To our knowledge, functional studies have not been reported for this variant. This variant has not been reported in individuals affected with BRCA2-related disorders in the literature. This variant has not been identified in the general population by the Genome Aggregation Database (gnomAD). The available evidence is insufficient to determine the role of this variant in disease conclusively. Therefore, this variant is classified as a Variant of Uncertain Significance.

This study involves interpretation of variants in research participants for the purpose of population health screening. Participant phenotype was not available at the time of variant classification. Additional details can be found in publication PMID: 35346344, PMCID: PMC8962531

University of Washington Department of Laboratory Medicine, University of Washington
Classification: Likely benign for Hereditary cancer-predisposing syndrome. Last evaluated: 2023-03-23. Review status: criteria provided, single submitter. Criteria: Dines et al. (Genet Med. 2020). Collection method: curation. Allele origin: germline.
Comment: Missense variant in a coldspot region where missense variants are very unlikely to be pathogenic (PMID:31911673).

BRCA2 exon 11 coldspot. Reclassification based on statistical prior probability.

Women's Health and Genetics/Laboratory Corporation of America, LabCorp
Classification: Uncertain significance. Last evaluated: 2020-05-04. Review status: criteria provided, single submitter. Criteria: LabCorp Variant Classification Summary - May 2015. Collection method: clinical testing. Allele origin: germline.
Comment: Variant summary: BRCA2 c.3755C>A (p.Ser1252Tyr) results in a non-conservative amino acid change in the encoded protein sequence. Three of five in-silico tools predict a damaging effect of the variant on protein function. The variant was absent in 246892 control chromosomes (gnomAD). The available data on variant occurrences in the general population are insufficient to allow any conclusion about variant significance. To our knowledge, no occurrence of c.3755C>A in individuals affected with Hereditary Breast and Ovarian Cancer Syndrome and no experimental evidence demonstrating its impact on protein function have been reported. Two clinical diagnostic laboratories have submitted clinical-significance assessments for this variant to ClinVar after 2014 without evidence for independent evaluation, and both of them classified the variant as uncertain significance. Based on the evidence outlined above, the variant was classified as uncertain significance.

Literature cited by the submitters: PubMed 39256447 (cited by Color Diagnostics, LLC DBA Color Health and Ambry Genetics).

NM_000059.4(BRCA2):c.3755C>A (p.Ser1252Tyr)

Gene: BRCA2 (BRCA2 DNA repair associated; plus strand). Cytogenetic location: 13q13.1.
Variant type: single nucleotide variant.
Coding change: c.3755C>A on transcript NM_000059.4 (MANE Select); coding-DNA position 3755, C replaced by A.
Protein change: p.Ser1252Tyr; replaces serine 1252 with tyrosine.
Molecular consequence: missense variant.
Genome position (GRCh38, 1-based): chr13:32,338,110, C>A. VCF-style: chr13-32338110-C-A. GRCh37 (hg19) VCF-style: chr13-32912247-C-A.
Other names: short protein forms S1252Y.
Identifiers: ClinVar variation 462307 (VCV000462307.20), dbSNP rs1361496246, ClinGen allele CA387778198.